The following is an entry in ClinVar:

NM_024596.5(MCPH1):c.5C>T (p.Ala2Val)

Gene: MCPH1 (microcephalin 1; plus strand). Cytogenetic location: 8p23.1.
Variant type: single nucleotide variant.
Coding change: c.5C>T on transcript NM_024596.5 (MANE Select); coding-DNA position 5, C replaced by T.
Protein change: p.Ala2Val; replaces alanine 2 with valine.
Molecular consequence: missense variant. On other transcripts: non-coding transcript variant (1).
Genome position (GRCh38, 1-based): chr8:6,406,672, C>T. VCF-style: chr8-6406672-C-T. GRCh37 (hg19) VCF-style: chr8-6264193-C-T.
Other names: c.5C>T, p.Ala2Val (NM_001172574.2, NM_001172575.2, NM_001322042.2 and 3 more transcripts); short protein forms A2V.
Identifiers: ClinVar variation 1376075 (VCV001376075.3), dbSNP rs759488210, ClinGen allele CA4609971.

ClinVar aggregate classification (germline): Uncertain significance (1 of 4 stars; one submission).

Allele frequency attached by ClinVar (database versions not stated): gnomAD exomes below 0.00001; TOPMed below 0.00001; ExAC 0.00001.
gnomAD v4.1: 3 of 1,611,902 alleles (0.00019%); highest among the groups gnomAD compares: African/African-American, 0.0027%; no homozygotes.

Submission:

Labcorp Genetics (formerly Invitae), Labcorp
Classification: Uncertain significance. Last evaluated: 2021-10-10. Review status: criteria provided, single submitter. Criteria: Invitae Variant Classification Sherloc (09022015). Collection method: clinical testing. Allele origin: germline.
Comment: This sequence change replaces alanine with valine at codon 2 of the MCPH1 protein (p.Ala2Val). The alanine residue is weakly conserved and there is a small physicochemical difference between alanine and valine. This variant is present in population databases (rs759488210, ExAC 0.01%). This variant has not been reported in the literature in individuals affected with MCPH1-related conditions. Algorithms developed to predict the effect of missense changes on protein structure and function are either unavailable or do not agree on the potential impact of this missense change (SIFT: "Not Available"; PolyPhen-2: "Probably Damaging"; Align-GVGD: "Not Available"). In summary, the available evidence is currently insufficient to determine the role of this variant in disease. Therefore, it has been classified as a Variant of Uncertain Significance.